The following is an entry in ClinVar:

NM_001543.5(NDST1):c.777T>C (p.His259=)

Gene: NDST1 (N-deacetylase and N-sulfotransferase 1; plus strand). Cytogenetic location: 5q33.1.
Variant type: single nucleotide variant.
Coding change: c.777T>C on transcript NM_001543.5 (MANE Select); coding-DNA position 777, T replaced by C.
Protein change: p.His259=; no amino-acid change (histidine 259 retained).
Molecular consequence: synonymous variant.
Genome position (GRCh38, 1-based): chr5:150,528,067, T>C. VCF-style: chr5-150528067-T-C. GRCh37 (hg19) VCF-style: chr5-149907629-T-C.
Other names: c.777T>C, p.His259= (NM_001301063.2).
Identifiers: ClinVar variation 723830 (VCV000723830.33), dbSNP rs143891966, ClinGen allele CA3512486.

ClinVar aggregate classification (germline): Benign/Likely benign. Review status: criteria provided, multiple submitters, no conflicts (2 of 4 stars). 4 submissions from 4 submitters: Benign (1); Likely benign (2). 1 of the submissions does not count toward it. Last evaluated 2025-08-19.

Conditions:
NDST1-related disorder. Also called: NDST1-related condition.

Allele frequency attached by ClinVar (database versions not stated): ExAC 0.00029; 1000 Genomes Project 0.00080; 1000 Genomes Project 30x 0.00094; gnomAD 0.00094 and 0.00103; TOPMed 0.00094; ESP Exome Variant Server 0.00108; gnomAD exomes 0.00008 and 0.00025.
gnomAD v4.1: 267 of 1,613,694 alleles (0.017%); highest among the groups gnomAD compares: African/African-American, 0.32%; no homozygotes.

Submissions (4):

Labcorp Genetics (formerly Invitae), Labcorp
Classification: Benign. Last evaluated: 2025-08-19. Review status: criteria provided, single submitter. Criteria: Invitae Variant Classification Sherloc (09022015). Collection method: clinical testing. Allele origin: germline.

Blueprint Genetics
Classification: Likely benign. Last evaluated: 2024-11-12. Review status: criteria provided, single submitter. Criteria: ACMG Guidelines, 2015. Collection method: clinical testing. Allele origin: germline.

CeGaT Center for Human Genetics Tuebingen
Classification: Likely benign. Last evaluated: 2022-09-01. Review status: criteria provided, single submitter. Criteria: CeGaT Center For Human Genetics Tuebingen Variant Classification Criteria Version 2. Collection method: clinical testing. Allele origin: germline. Affected: yes. Observed: 1 variant allele.
Comment: NDST1: BP4, BP7

PreventionGenetics, part of Exact Sciences
Classification: Likely benign for NDST1-related condition. Last evaluated: 2019-09-06. Review status: no assertion criteria provided. Collection method: clinical testing. Allele origin: germline. Not counted in ClinVar's aggregate classification.
Comment: This variant is classified as likely benign based on ACMG/AMP sequence variant interpretation guidelines (Richards et al. 2015 PMID: 25741868, with internal and published modifications).